The following is an entry in ClinVar:

NM_000091.5(COL4A3):c.989G>A (p.Gly330Glu)

Genes: COL4A3 (collagen type IV alpha 3 chain; plus strand), MFF-DT (MFF divergent transcript; minus strand). Cytogenetic location: 2q36.3.
Variant type: single nucleotide variant.
Coding change: c.989G>A on transcript NM_000091.5 (MANE Select); coding-DNA position 989, G replaced by A.
Protein change: p.Gly330Glu; replaces glycine 330 with glutamic acid.
Molecular consequence: missense variant.
Genome position (GRCh38, 1-based): chr2:227,257,604, G>A. VCF-style: chr2-227257604-G-A. GRCh37 (hg19) VCF-style: chr2-228122320-G-A.
Other names: short protein forms G330E.
Identifiers: ClinVar variation 4875533 (VCV004875533.1).

ClinVar aggregate classification (germline): Likely pathogenic (1 of 4 stars; one submission).

Conditions:
Hematuria, benign familial, 1 (BFH1). Also called: THIN MEMBRANE NEPHROPATHY. Identifiers: MedGen CN376803, MONDO:0007709, OMIM 141200.

Submission:

Department of Nephrology, Rheumatology and Immunology, Shanghai Children's Hospital
Classification: Likely pathogenic for Hematuria, benign familial, 1. Last evaluated: 2022-12-07. Review status: criteria provided, single submitter. Criteria: ACMG Guidelines, 2015. Collection method: clinical testing. Allele origin: maternal. Inheritance: Autosomal dominant inheritance. Affected: yes. Observed: 1 variant allele.
Comment: The missense variant c.989G>A (exon 18, NM_000091.5) causes the amino acid change p.Gly330Glu. It was defined as likely pathogenic based on ACMG guidelines (evidence: PM1+PP3_Strong+PM2_Supporting). No relevant literature reports this variant, and ClinVar contains no pathogenicity data for this site.